The following is an entry in ClinVar:

ClinVar aggregate classification (germline): Uncertain significance (1 of 4 stars; one submission).

Conditions:
Malignant hyperthermia, susceptibility to, 1 (MHS1). Also called: Anesthesia related hyperthermia; Malignant hyperpyrexia; Fulminating hyperpyrexia; Pharmacogenic myopathy; Malignant hyperthermia suceptibility 1; RYR1-Related Malignant Hyperthermia Susceptibility. Identifiers: Orphanet 423, MedGen C2930980, MONDO:0007783, OMIM 145600.

gnomAD v4.1: 1 of 1,609,984 alleles (0.000062%); highest among the groups gnomAD compares: Admixed American, 0.0017%; no homozygotes.

Submission:

All of Us Research Program, National Institutes of Health
Classification: Uncertain significance for Malignant hyperthermia, susceptibility to, 1. Last evaluated: 2024-05-30. Review status: criteria provided, single submitter. Criteria: ACMG Guidelines, 2015. Collection method: clinical testing. Allele origin: germline. Inheritance: Autosomal dominant inheritance. Observed: 1 variant allele, 1 heterozygote.
Comment: This missense variant replaces alanine with proline at codon 2549 of the RYR1 protein. Computational prediction suggests that this variant may have deleterious impact on protein structure and function (internally defined REVEL score threshold >= 0.7, PMID: 27666373). To our knowledge, functional studies have not been reported for this variant. This variant has not been reported in individuals affected with RYR1-related disorders in the literature. This variant has not been identified in the general population by the Genome Aggregation Database (gnomAD). The available evidence is insufficient to determine the role of this variant in disease conclusively. Therefore, this variant is classified as a Variant of Uncertain Significance.

This study involves interpretation of variants in research participants for the purpose of population health screening. Participant phenotype was not available at the time of variant classification. Additional details can be found in publication PMID: 35346344, PMCID: PMC8962531

NM_000540.3(RYR1):c.7645G>C (p.Ala2549Pro)

Gene: RYR1 (ryanodine receptor 1; plus strand). Cytogenetic location: 19q13.2.
Variant type: single nucleotide variant.
Coding change: c.7645G>C on transcript NM_000540.3 (MANE Select); coding-DNA position 7645, G replaced by C.
Protein change: p.Ala2549Pro; replaces alanine 2549 with proline.
Molecular consequence: missense variant.
Genome position (GRCh38, 1-based): chr19:38,502,537, G>C. VCF-style: chr19-38502537-G-C. GRCh37 (hg19) VCF-style: chr19-38993177-G-C.
Other names: c.7645G>C, p.Ala2549Pro (NM_001042723.2); short protein forms A2549P.
Identifiers: ClinVar variation 3385449 (VCV003385449.1).
Genomic context (GRCh38, chr19:38,502,537, plus strand): 5'-CGGGCCTGATGTCCTCACCCTGCGCCCTAGGCCACTTTCAGCACCACCGAGATGGCGCTG[G>C]CGCTGAACCGCTACCTGTGCCTGGCCGTGCTGCCGCTCATCACCAAGTGTGCGCCGCTCT-3'
Protein context (NP_000531.2, residues 2539-2559): ATFSTTEMAL[Ala2549Pro]LNRYLCLAVL